The following is an entry in ClinVar:

ClinVar aggregate classification (germline): Conflicting classifications of pathogenicity. Review status: criteria provided, conflicting classifications (1 of 4 stars). 7 submissions from 7 submitters: Uncertain significance (1); Benign (1); Likely benign (3). 2 of the submissions do not count toward it. Last evaluated 2026-01-20.

Conditions:
Hereditary factor XI deficiency disease. Also called: PLASMA THROMBOPLASTIN ANTECEDENT DEFICIENCY; PTA DEFICIENCY; ROSENTHAL SYNDROME; Congenital factor XI deficiency. Identifiers: Orphanet 329, MedGen C0015523, MeSH D005173, MONDO:0012897, OMIM 612416.
F11-related disorder. Also called: F11-related condition.
Plasma factor XI deficiency.

Allele frequency attached by ClinVar (database versions not stated): 1000 Genomes Project 30x 0.00094; 1000 Genomes Project 0.00100; ExAC 0.00127; ESP Exome Variant Server 0.00138; gnomAD exomes 0.00152; gnomAD 0.00153 and 0.00154; TOPMed 0.00165.
gnomAD v4.1: 2,293 of 1,613,558 alleles (0.14%); highest among the groups gnomAD compares: Middle Eastern, 0.83%; 7 homozygotes.

Submissions (7):

Labcorp Genetics (formerly Invitae), Labcorp
Classification: Benign. Last evaluated: 2026-01-20. Review status: criteria provided, single submitter. Criteria: Invitae Variant Classification Sherloc (09022015). Collection method: clinical testing. Allele origin: germline.

Blueprint Genetics
Classification: Likely benign. Last evaluated: 2024-11-25. Review status: criteria provided, single submitter. Criteria: ACMG Guidelines, 2015. Collection method: clinical testing. Allele origin: germline.

Mayo Clinic Laboratories, Mayo Clinic
Classification: Likely benign. Last evaluated: 2022-03-11. Review status: criteria provided, single submitter. Criteria: ACMG Guidelines, 2015. Collection method: clinical testing. Allele origin: germline. Observed: 2 variant alleles.
Comment: BS2, BP4, BP7

Illumina Laboratory Services, Illumina
Classification: Uncertain significance for Hereditary factor XI deficiency disease. Last evaluated: 2017-04-27. Review status: criteria provided, single submitter. Criteria: ICSL Variant Classification Criteria 13 December 2019. Collection method: clinical testing. Allele origin: germline.
Comment: This variant was observed as part of a predisposition screen in an ostensibly healthy population. A literature search was performed for the gene, cDNA change, and amino acid change (where applicable). Publications were found based on this search. However, the evidence from the literature, in combination with allele frequency data from public databases where available, was not sufficient to rule this variant in or out of causing disease. Therefore, this variant is classified as a variant of unknown significance.

Eurofins Ntd Llc (ga)
Classification: Likely benign. Last evaluated: 2016-04-01. Review status: criteria provided, single submitter. Criteria: EGL Classification Definitions 2015. Collection method: clinical testing. Allele origin: germline. Observed: 1 variant allele, 1 heterozygote.

PreventionGenetics, part of Exact Sciences
Classification: Likely benign for F11-related condition. Last evaluated: 2023-03-20. Review status: no assertion criteria provided. Collection method: clinical testing. Allele origin: germline. Not counted in ClinVar's aggregate classification.
Comment: This variant is classified as likely benign based on ACMG/AMP sequence variant interpretation guidelines (Richards et al. 2015 PMID: 25741868, with internal and published modifications).

Natera, Inc.
Classification: Benign for Plasma factor XI deficiency. Last evaluated: 2020-09-16. Review status: no assertion criteria provided. Collection method: clinical testing. Allele origin: germline. Not counted in ClinVar's aggregate classification.

Literature cited by the submitters: PubMed 15140147 (cited by Illumina Laboratory Services, Illumina).

NM_000128.4(F11):c.1305-9G>T

Gene: F11 (coagulation factor XI; plus strand). Cytogenetic location: 4q35.2.
Variant type: single nucleotide variant.
Coding change: c.1305-9G>T on transcript NM_000128.4 (MANE Select); 9 bases into the intron before coding-DNA position 1305, G replaced by T.
Molecular consequence: intron variant.
Genome position (GRCh38, 1-based): chr4:186,285,629, G>T. VCF-style: chr4-186285629-G-T. GRCh37 (hg19) VCF-style: chr4-187206783-G-T.
Other names: p.?.
Identifiers: ClinVar variation 287099 (VCV000287099.24), dbSNP rs4253426, ClinGen allele CA3163959.